The following is an entry in ClinVar:

NM_032119.4(ADGRV1):c.1055C>T (p.Pro352Leu)

Gene: ADGRV1 (adhesion G protein-coupled receptor V1; plus strand). Cytogenetic location: 5q14.3.
Variant type: single nucleotide variant.
Coding change: c.1055C>T on transcript NM_032119.4 (MANE Select); coding-DNA position 1055, C replaced by T.
Protein change: p.Pro352Leu; replaces proline 352 with leucine.
Molecular consequence: missense variant. On other transcripts: non-coding transcript variant (1).
Genome position (GRCh38, 1-based): chr5:90,627,593, C>T. VCF-style: chr5-90627593-C-T. GRCh37 (hg19) VCF-style: chr5-89923410-C-T.
Other names: short protein forms P352L.
Identifiers: ClinVar variation 562081 (VCV000562081.10), dbSNP rs765574676, ClinGen allele CA3338603.
Genomic context (GRCh38, chr5:90,627,593, plus strand): 5'-TTTTTCCACCTTTTATTCATGAATCTCACTTGAAATTTCAAATAGTTGATGACACCATAC[C>T]GGAGATTGCTGAATCGTTTCACATTATGTTACTAAAAGATACCTTACAGGGAGATGCTGT-3'
Protein context (NP_115495.3, residues 342-362): LKFQIVDDTI[Pro352Leu]EIAESFHIML

ClinVar aggregate classification (germline): Pathogenic/Likely pathogenic. Review status: criteria provided, multiple submitters, no conflicts (2 of 4 stars). 7 submissions from 7 submitters: Pathogenic (2); Likely pathogenic (3). 2 of the submissions do not count toward it. Last evaluated 2025-01-13.

Conditions:
Usher syndrome. Also called: Usher Syndromes; Usher's syndrome. Identifiers: Orphanet 886, MedGen CN469326, MeSH D052245, MONDO:0019501. Disease mechanism: loss of function.
ADGRV1-related disorder. Also called: ADGRV1-related disorders; ADGRV1-related condition.
Usher syndrome type 2C. Also called: Usher syndrome, type 2B; USHER SYNDROME, TYPE IIC. Identifiers: Orphanet 231178, Orphanet 886, MedGen C2931213, MONDO:0011558, OMIM 605472.
Febrile seizures, familial, 4 (FEB4). Also called: CONVULSIONS, FAMILIAL FEBRILE, 4. Identifiers: MedGen C1858493, MONDO:0011443, OMIM 604352.
Hearing loss, autosomal recessive. Also called: Deafness, autosomal recessive; Rare autosomal recessive non-syndromic sensorineural deafness type DFNB; Autosomal recessive nonsyndromic deafness; Nonsyndromic Hearing Loss, Recessive. Identifiers: Orphanet 90635, Orphanet 90636, MedGen C1846647, MONDO:0019588, OMIM 607197.
Autosomal recessive sensorineural hearing loss.

Allele frequency attached by ClinVar (database versions not stated): gnomAD 0.00001; ExAC 0.00002; gnomAD exomes 0.00002 and 0.00003; TOPMed 0.00002.
gnomAD v4.1: 36 of 1,613,700 alleles (0.0022%); highest among the groups gnomAD compares: Middle Eastern, 0.016%; no homozygotes.

Submissions (7):

Labcorp Genetics (formerly Invitae), Labcorp
Classification: Pathogenic. Last evaluated: 2025-01-13. Review status: criteria provided, single submitter. Criteria: Invitae Variant Classification Sherloc (09022015). Collection method: clinical testing. Allele origin: germline.
Comment: This sequence change replaces proline, which is neutral and non-polar, with leucine, which is neutral and non-polar, at codon 352 of the ADGRV1 protein (p.Pro352Leu). This variant is present in population databases (rs765574676, gnomAD 0.005%). This missense change has been observed in individual(s) with deafness (PMID: 30303587). It has also been observed to segregate with disease in related individuals. ClinVar contains an entry for this variant (Variation ID: 562081). An algorithm developed to predict the effect of missense changes on protein structure and function (PolyPhen-2) suggests that this variant is likely to be disruptive. This variant disrupts the p.Pro352 amino acid residue in ADGRV1. Other variant(s) that disrupt this residue have been determined to be pathogenic (PMID: 28951997). This suggests that this residue is clinically significant, and that variants that disrupt this residue are likely to be disease-causing. For these reasons, this variant has been classified as Pathogenic.

Blueprint Genetics
Classification: Likely pathogenic for ADGRV1-related disorders. Last evaluated: 2024-10-23. Review status: criteria provided, single submitter. Criteria: ACMG Guidelines, 2015. Collection method: clinical testing. Allele origin: germline. Affected: yes. Observed: 1 variant allele.

Fulgent Genetics
Classification: Likely pathogenic for Febrile seizures, familial, 4; Usher syndrome type 2C. Last evaluated: 2024-05-16. Review status: criteria provided, single submitter. Criteria: ACMG Guidelines, 2015. Collection method: clinical testing. Allele origin: germline.

Women's Health and Genetics/Laboratory Corporation of America, LabCorp
Classification: Pathogenic for Usher syndrome. Last evaluated: 2024-05-14. Review status: criteria provided, single submitter. Criteria: LabCorp Variant Classification Summary - May 2015. Collection method: clinical testing. Allele origin: germline.
Comment: Variant summary: ADGRV1 c.1055C>T (p.Pro352Leu) results in a non-conservative amino acid change located in the Na-Ca exchanger/integrin-beta4 (IPR003644) of the encoded protein sequence. Four of five in-silico tools predict a damaging effect of the variant on protein function. The variant allele was found at a frequency of 2.8e-05 in 249112 control chromosomes. c.1055C>T has been reported in the literature in multiple individuals affected with Hearing Loss (Richard_2019). Additionally, another missense variant (c.1054C>A, p.Pro352Thr) has been classified on the pathogenic spectrum in our laboratory. These data indicate that the variant is very likely to be associated with disease. To our knowledge, no experimental evidence demonstrating an impact on protein function has been reported. The following publication have been ascertained in the context of this evaluation (PMID: 30303587). ClinVar contains an entry for this variant (Variation ID: 562081). Based on the evidence outlined above, the variant was classified as pathogenic.

Genomic Medicine Center of Excellence, King Faisal Specialist Hospital and Research Centre
Classification: Likely pathogenic for Febrile seizures, familial, 4. Last evaluated: 2024-03-26. Review status: criteria provided, single submitter. Criteria: ACMG Guidelines, 2015. Collection method: clinical testing. Allele origin: germline.

National Institute on Deafness and Communication Disorders, National Institutes of Health
Classification: Pathogenic for Autosomal recessive sensorineural hearing loss. Last evaluated: 2018-07-05. Review status: no assertion criteria provided. Collection method: research. Allele origin: germline. Affected: yes. Observed: 1 homozygote. Segregation with disease observed. Not counted in ClinVar's aggregate classification.

University of Washington Center for Mendelian Genomics, University of Washington
Classification: Likely pathogenic for non-syndromic autosomal recessive hearing loss. Review status: no assertion criteria provided. Collection method: research. Allele origin: inherited. Affected: yes. Not counted in ClinVar's aggregate classification.

Literature cited by the submitters: PubMed 30303587 (cited by 3 submitters); PubMed 28951997 (cited by Labcorp Genetics (formerly Invitae), Labcorp).